The following is an entry in ClinVar:

NM_004793.4(LONP1):c.2079G>T (p.Ser693=)

Gene: LONP1 (lon peptidase 1, mitochondrial; minus strand). Cytogenetic location: 19p13.3.
Variant type: single nucleotide variant.
Coding change: c.2079G>T on transcript NM_004793.4 (MANE Select); coding-DNA position 2079, G replaced by T.
Protein change: p.Ser693=; no amino-acid change (serine 693 retained).
Molecular consequence: synonymous variant. On other transcripts: non-coding transcript variant (1).
Genome position (GRCh38, 1-based): chr19:5,694,836, C>A on the plus strand (G>T on the coding strand, the complement: LONP1 is on the minus strand). VCF-style: chr19-5694836-C-A. GRCh37 (hg19) VCF-style: chr19-5694847-C-A.
Other names: c.1887G>T, p.Ser629= (NM_001276479.2); c.1491G>T, p.Ser497= (NM_001276480.1).
Identifiers: ClinVar variation 720593 (VCV000720593.32), dbSNP rs142052215, ClinGen allele CA9114300.
Genomic context (GRCh38, chr19:5,694,836, plus strand): 5'-CTGCAGGTTGCGGACACCGCTCTCGCGGCAGTACTGCTTGATGAGCAGCGTCAGCACGTC[C>A]GATGACAGCTTGGCCTTGCTCTCATCCAAGCCACACAGGGCGCGAGCCTGGGGCACCAGG-3'
Protein context (NP_004784.2, residues 683-703): GLDESKAKLS[Ser693=]DVLTLLIKQY

ClinVar aggregate classification (germline): Benign/Likely benign. Review status: criteria provided, multiple submitters, no conflicts (2 of 4 stars). 4 submissions from 4 submitters: Benign (3); Likely benign (1). Last evaluated 2026-01-13.

Allele frequency attached by ClinVar (database versions not stated): 1000 Genomes Project 0.00260; 1000 Genomes Project 30x 0.00265; gnomAD 0.00295 and 0.00322; TOPMed 0.00365; ESP Exome Variant Server 0.00446.
gnomAD v4.1: 914 of 1,604,414 alleles (0.057%); highest among the groups gnomAD compares: African/African-American, 1.1%; 7 homozygotes.

Submissions (4):

Labcorp Genetics (formerly Invitae), Labcorp
Classification: Benign. Last evaluated: 2026-01-13. Review status: criteria provided, single submitter. Criteria: Invitae Variant Classification Sherloc (09022015). Collection method: clinical testing. Allele origin: germline.

Blueprint Genetics
Classification: Likely benign. Last evaluated: 2024-10-18. Review status: criteria provided, single submitter. Criteria: ACMG Guidelines, 2015. Collection method: clinical testing. Allele origin: germline.

CeGaT Center for Human Genetics Tuebingen
Classification: Benign. Last evaluated: 2024-04-01. Review status: criteria provided, single submitter. Criteria: CeGaT Center For Human Genetics Tuebingen Variant Classification Criteria Version 2. Collection method: clinical testing. Allele origin: germline. Affected: yes. Observed: 1 variant allele.
Comment: LONP1: BP4, BP7, BS1, BS2

Breakthrough Genomics
Classification: Benign. Review status: criteria provided, single submitter. Criteria: ACMG Guidelines, 2015. Collection method: not provided. Allele origin: germline. Inheritance: Autosomal recessive inheritance. Affected: yes.